The following is an entry in ClinVar:

NM_000327.4(ROM1):c.668G>A (p.Arg223Gln)

Gene: ROM1 (retinal outer segment membrane protein 1; plus strand). Cytogenetic location: 11q12.3.
Variant type: single nucleotide variant.
Coding change: c.668G>A on transcript NM_000327.4 (MANE Select); coding-DNA position 668, G replaced by A.
Protein change: p.Arg223Gln; replaces arginine 223 with glutamine.
Molecular consequence: missense variant.
Genome position (GRCh38, 1-based): chr11:62,614,335, G>A. VCF-style: chr11-62614335-G-A. GRCh37 (hg19) VCF-style: chr11-62381807-G-A.
Other names: short protein forms R223Q.
Identifiers: ClinVar variation 1059898 (VCV001059898.10), dbSNP rs147619226, ClinGen allele CA6049804.

ClinVar aggregate classification (germline): Uncertain significance. Review status: criteria provided, multiple submitters, no conflicts (2 of 4 stars). 2 submissions from 2 submitters: Uncertain significance (2). Last evaluated 2024-10-30.

Allele frequency attached by ClinVar (database versions not stated): gnomAD exomes 0.00013; ExAC 0.00014; gnomAD 0.00014; TOPMed 0.00015; ESP Exome Variant Server 0.00031.
gnomAD v4.1: 436 of 1,613,636 alleles (0.027%); highest among the groups gnomAD compares: Non-Finnish European, 0.033%; no homozygotes.

Submissions (2):

Blueprint Genetics
Classification: Uncertain significance. Last evaluated: 2024-10-30. Review status: criteria provided, single submitter. Criteria: ACMG Guidelines, 2015. Collection method: clinical testing. Allele origin: germline.

Labcorp Genetics (formerly Invitae), Labcorp
Classification: Uncertain significance. Last evaluated: 2020-05-15. Review status: criteria provided, single submitter. Criteria: Invitae Variant Classification Sherloc (09022015). Collection method: clinical testing. Allele origin: germline.
Comment: In summary, the available evidence is currently insufficient to determine the role of this variant in disease. Therefore, it has been classified as a Variant of Uncertain Significance. Algorithms developed to predict the effect of sequence changes on RNA splicing suggest that this variant may create or strengthen a splice site, but this prediction has not been confirmed by published transcriptional studies. Algorithms developed to predict the effect of missense changes on protein structure and function are either unavailable or do not agree on the potential impact of this missense change (SIFT: "Deleterious"; PolyPhen-2: "Benign"; Align-GVGD: "Class C0"). This variant has been observed in individual(s) with retinitis pigmentosa (PMID: 28005958). This variant is present in population databases (rs147619226, ExAC 0.05%). This sequence change replaces arginine with glutamine at codon 223 of the ROM1 protein (p.Arg223Gln). The arginine residue is highly conserved and there is a small physicochemical difference between arginine and glutamine.

Literature cited by the submitters: PubMed 28005958 (cited by Labcorp Genetics (formerly Invitae), Labcorp).